The following is an entry in ClinVar:

ClinVar aggregate classification (germline): Pathogenic. Review status: criteria provided, multiple submitters, no conflicts (2 of 4 stars). 2 submissions from 2 submitters: Pathogenic (2). Last evaluated 2026-07-01.

Conditions:
Glycogen storage disease, type II (IOPD). Also called: CARDIOMEGALIA GLYCOGENICA DIFFUSA; GLYCOGENOSIS, GENERALIZED, CARDIAC FORM; GSD II; Glycogen storage disease type 2; Acid maltase deficiency disease; Aglucosidase alfa. Identifiers: Orphanet 365, MedGen C0017921, MONDO:0009290, OMIM 232300.

Submissions (2):

Genomenon, Inc
Classification: Pathogenic for Glycogen storage disease, type II. Last evaluated: 2026-07-01. Review status: criteria provided, single submitter. Criteria: Genomenon Sequence Variant Interpretation Standards - Updated. Collection method: curation. Allele origin: germline. Affected: yes.
Comment: GAA p.Tyr668Ter (c.2004C>A) is a nonsense variant that introduces a premature stop codon at amino acid position 668 and is predicted to result in a truncated or absent protein product. This variant has been observed in at least one proband with a GAA-related disorder (PMID:25626711). It is absent or not present at a significant frequency in gnomAD. In conclusion, we classify GAA p.Tyr668Ter (c.2004C>A) as a pathogenic variant.

Labcorp Genetics (formerly Invitae), Labcorp
Classification: Pathogenic for Glycogen storage disease, type II. Last evaluated: 2023-04-06. Review status: criteria provided, single submitter. Criteria: Invitae Variant Classification Sherloc (09022015). Collection method: clinical testing. Allele origin: germline.
Comment: This sequence change creates a premature translational stop signal (p.Tyr668*) in the GAA gene. It is expected to result in an absent or disrupted protein product. Loss-of-function variants in GAA are known to be pathogenic (PMID: 18425781, 22252923). For these reasons, this variant has been classified as Pathogenic. This variant is not present in population databases (gnomAD no frequency). This premature translational stop signal has been observed in individual(s) with Pompe disease (PMID: 25626711).

Literature cited by the submitters: PubMed 25626711 (cited by Genomenon, Inc and Labcorp Genetics (formerly Invitae), Labcorp); PubMed 18425781 (cited by Labcorp Genetics (formerly Invitae), Labcorp); PubMed 22252923 (cited by Labcorp Genetics (formerly Invitae), Labcorp).

NM_000152.5(GAA):c.2004C>A (p.Tyr668Ter)

Gene: GAA (alpha glucosidase; plus strand). Cytogenetic location: 17q25.3.
Variant type: single nucleotide variant.
Coding change: c.2004C>A on transcript NM_000152.5 (MANE Select); coding-DNA position 2004, C replaced by A.
Protein change: p.Tyr668Ter; replaces tyrosine 668 with a stop codon.
Molecular consequence: nonsense.
Genome position (GRCh38, 1-based): chr17:80,112,991, C>A. VCF-style: chr17-80112991-C-A. GRCh37 (hg19) VCF-style: chr17-78086790-C-A.
Other names: c.2004C>A, p.Tyr668Ter (NM_001079803.3, NM_001079804.3, NM_001406741.1 and 1 more transcripts); short protein forms Y668*.
Identifiers: ClinVar variation 2736681 (VCV002736681.4), dbSNP rs2510384208, ClinGen allele CA401370054.